The following is an entry in ClinVar:

ClinVar aggregate classification (germline): Uncertain significance (1 of 4 stars; one submission).

Allele frequency attached by ClinVar (database versions not stated): gnomAD exomes below 0.00001.
gnomAD v4.1: 7 of 1,614,146 alleles (0.00043%); highest among the groups gnomAD compares: East Asian, 0.0022%; no homozygotes.

Submission:

Labcorp Genetics (formerly Invitae), Labcorp
Classification: Uncertain significance. Last evaluated: 2022-09-03. Review status: criteria provided, single submitter. Criteria: Invitae Variant Classification Sherloc (09022015). Collection method: clinical testing. Allele origin: germline.
Comment: In summary, the available evidence is currently insufficient to determine the role of this variant in disease. Therefore, it has been classified as a Variant of Uncertain Significance. Algorithms developed to predict the effect of missense changes on protein structure and function output the following: SIFT: "Deleterious"; PolyPhen-2: "Benign"; Align-GVGD: "Class C25". The valine amino acid residue is found in multiple mammalian species, which suggests that this missense change does not adversely affect protein function. This variant has not been reported in the literature in individuals affected with IGF1R-related conditions. This variant is present in population databases (no rsID available, gnomAD 0.0009%). This sequence change replaces isoleucine, which is neutral and non-polar, with valine, which is neutral and non-polar, at codon 505 of the IGF1R protein (p.Ile505Val).

NM_000875.5(IGF1R):c.1513A>G (p.Ile505Val)

Gene: IGF1R (insulin like growth factor 1 receptor; plus strand). Cytogenetic location: 15q26.3.
Variant type: single nucleotide variant.
Coding change: c.1513A>G on transcript NM_000875.5 (MANE Select); coding-DNA position 1513, A replaced by G.
Protein change: p.Ile505Val; replaces isoleucine 505 with valine.
Molecular consequence: missense variant.
Genome position (GRCh38, 1-based): chr15:98,911,365, A>G. VCF-style: chr15-98911365-A-G. GRCh37 (hg19) VCF-style: chr15-99454594-A-G.
Other names: c.1513A>G, p.Ile505Val (NM_001291858.2); short protein forms I505V.
Identifiers: ClinVar variation 2134671 (VCV002134671.4), dbSNP rs1352502155, ClinGen allele CA393677915.